The following is an entry in ClinVar:

NM_015330.6(SPECC1L):c.665G>A (p.Gly222Asp)

Genes: SPECC1L (sperm antigen with calponin homology and coiled-coil domains 1 like; plus strand), SPECC1L-ADORA2A (SPECC1L-ADORA2A readthrough (NMD candidate); plus strand). Cytogenetic location: 22q11.23.
Variant type: single nucleotide variant.
Coding change: c.665G>A on transcript NM_015330.6 (MANE Select); coding-DNA position 665, G replaced by A.
Protein change: p.Gly222Asp; replaces glycine 222 with aspartic acid.
Molecular consequence: missense variant. On other transcripts: non-coding transcript variant (1).
Genome position (GRCh38, 1-based): chr22:24,321,645, G>A. VCF-style: chr22-24321645-G-A. GRCh37 (hg19) VCF-style: chr22-24717613-G-A.
Other names: c.665G>A, p.Gly222Asp (NM_001145468.4, NM_001254732.3); short protein forms G222D.
Identifiers: ClinVar variation 2652995 (VCV002652995.24), dbSNP rs1054188006, ClinGen allele CA322647692.

ClinVar aggregate classification (germline): Uncertain significance (1 of 4 stars; one submission).

Allele frequency attached by ClinVar (database versions not stated): TOPMed below 0.00001.
gnomAD v4.1: 1 of 1,614,190 alleles (0.000062%); highest among the groups gnomAD compares: Non-Finnish European, 0.000085%; no homozygotes.

Submission:

CeGaT Center for Human Genetics Tuebingen
Classification: Uncertain significance. Last evaluated: 2022-09-01. Review status: criteria provided, single submitter. Criteria: CeGaT Center For Human Genetics Tuebingen Variant Classification Criteria Version 2. Collection method: clinical testing. Allele origin: germline. Affected: yes. Observed: 1 variant allele.
Comment: SPECC1L: PM2, BP4